The following is an entry in ClinVar:

NM_001035.3(RYR2):c.14655+130G>A

Gene: RYR2 (ryanodine receptor 2; plus strand). Cytogenetic location: 1q43.
Variant type: single nucleotide variant.
Coding change: c.14655+130G>A on transcript NM_001035.3 (MANE Select); 130 bases into the intron after coding-DNA position 14655, G replaced by A.
Molecular consequence: intron variant.
Genome position (GRCh38, 1-based): chr1:237,828,575, G>A. VCF-style: chr1-237828575-G-A. GRCh37 (hg19) VCF-style: chr1-237991875-G-A.
Identifiers: ClinVar variation 675631 (VCV000675631.2), dbSNP rs73106016, ClinGen allele CA39857852.

ClinVar aggregate classification (germline): Benign. Review status: criteria provided, multiple submitters, no conflicts (2 of 4 stars). 2 submissions from 2 submitters: Benign (2). Last evaluated 2018-06-14.

Allele frequency attached by ClinVar (database versions not stated): gnomAD exomes 0.00198; 1000 Genomes Project 0.01038; 1000 Genomes Project 30x 0.01109; gnomAD 0.01367 and 0.01470; TOPMed 0.01552.
gnomAD v4.1: 3,022 of 603,948 alleles (0.5%); highest among the groups gnomAD compares: African/African-American, 4.7%; 60 homozygotes.

Submissions (2):

GeneDx
Classification: Benign. Last evaluated: 2018-06-14. Review status: criteria provided, single submitter. Criteria: GeneDx Variant Classification (06012015). Collection method: clinical testing. Allele origin: germline. Affected: yes.
Comment: This variant is considered likely benign or benign based on one or more of the following criteria: it is a conservative change, it occurs at a poorly conserved position in the protein, it is predicted to be benign by multiple in silico algorithms, and/or has population frequency not consistent with disease.

Breakthrough Genomics
Classification: Benign. Review status: criteria provided, single submitter. Criteria: ACMG Guidelines, 2015. Collection method: not provided. Allele origin: germline. Inheritance: Autosomal dominant inheritance. Affected: yes.